The following is an entry in ClinVar:

ClinVar aggregate classification (germline): Uncertain significance (0 of 4 stars; one submission).

Conditions:
SEMA3D-related disorder. Also called: SEMA3D-related condition.

gnomAD v4.1: 2 of 1,602,956 alleles (0.00012%); highest among the groups gnomAD compares: Admixed American, 0.0017%; no homozygotes.

Submission:

PreventionGenetics, part of Exact Sciences
Classification: Uncertain significance for SEMA3D-related condition. Last evaluated: 2024-07-05. Review status: no assertion criteria provided. Collection method: clinical testing. Allele origin: germline.
Comment: The SEMA3D c.569C>G variant is predicted to result in the amino acid substitution p.Pro190Arg. To our knowledge, this variant has not been reported in the literature. This variant is reported in 0.0029% of alleles in individuals of Latino descent in gnomAD. At this time, the clinical significance of this variant is uncertain due to the absence of conclusive functional and genetic evidence.

NM_001384900.1(SEMA3D):c.569C>G (p.Pro190Arg)

Gene: SEMA3D (semaphorin 3D; minus strand). Cytogenetic location: 7q21.11.
Variant type: single nucleotide variant.
Coding change: c.569C>G on transcript NM_001384900.1 (MANE Select); coding-DNA position 569, C replaced by G.
Protein change: p.Pro190Arg; replaces proline 190 with arginine.
Molecular consequence: missense variant.
Genome position (GRCh38, 1-based): chr7:85,068,211, G>C on the plus strand (C>G on the coding strand, the complement: SEMA3D is on the minus strand). VCF-style: chr7-85068211-G-C. GRCh37 (hg19) VCF-style: chr7-84697527-G-C.
Other names: c.569C>G, p.Pro190Arg (NM_001384901.1, NM_001384902.1, NM_001384903.1 and 1 more transcripts); short protein forms P190R.
Identifiers: ClinVar variation 3355073 (VCV003355073.1).